The following is an entry in ClinVar:

ClinVar aggregate classification (germline): Pathogenic. Review status: criteria provided, multiple submitters, no conflicts (2 of 4 stars). 3 submissions from 3 submitters: Pathogenic (2). 1 of the submissions does not count toward it. Last evaluated 2024-06-18.

Conditions:
Cerebrooculofacioskeletal syndrome 1 (COFS1). Also called: Cerebro-oculo-facio-skeletal syndrome 1. Identifiers: MedGen C0220722, MONDO:0008955, OMIM 214150.
Premature ovarian failure 11 (POF11). Identifiers: MedGen C4310783, MONDO:0014843, OMIM 616946.
DE SANCTIS-CACCHIONE SYNDROME. Identifiers: MedGen C0265201, MONDO:0010217, OMIM 278800.
Cockayne syndrome type 2 (CSB). Also called: COCKAYNE SYNDROME B; Cockayne Syndrome, Type II. Identifiers: Orphanet 191, Orphanet 90322, MedGen C0751038, MONDO:0019570, OMIM 133540.
Age related macular degeneration 5. Identifiers: MedGen C3151063, MONDO:0013409, OMIM 613761.
UV-sensitive syndrome 1 (UVSS1). Identifiers: Orphanet 178338, MedGen C3551173, MONDO:0010909, OMIM 600630.
Lung cancer. Also called: Lung cancer, somatic; Malignant tumor of lung. Identifiers: MedGen C0242379, MONDO:0008903, OMIM 211980.

Submissions (3):

Fulgent Genetics
Classification: Pathogenic for Cockayne syndrome type 2; Lung cancer; Cerebrooculofacioskeletal syndrome 1; DE SANCTIS-CACCHIONE SYNDROME; UV-sensitive syndrome 1; Age related macular degeneration 5; Premature ovarian failure 11. Last evaluated: 2024-06-18. Review status: criteria provided, single submitter. Criteria: ACMG Guidelines, 2015. Collection method: clinical testing. Allele origin: germline.

Labcorp Genetics (formerly Invitae), Labcorp
Classification: Pathogenic. Last evaluated: 2023-03-02. Review status: criteria provided, single submitter. Criteria: Invitae Variant Classification Sherloc (09022015). Collection method: clinical testing. Allele origin: germline.
Comment: For these reasons, this variant has been classified as Pathogenic. ClinVar contains an entry for this variant (Variation ID: 1705). This premature translational stop signal has been observed in individual(s) with clinical features of Cockayne syndrome (PMID: 10196384). This variant is not present in population databases (gnomAD no frequency). This sequence change creates a premature translational stop signal (p.Thr659Cysfs*24) in the ERCC6 gene. It is expected to result in an absent or disrupted protein product. Loss-of-function variants in ERCC6 are known to be pathogenic (PMID: 18628313, 29572252).

OMIM
Classification: Pathogenic for COCKAYNE SYNDROME B. Last evaluated: 1999-05-01. Review status: no assertion criteria provided. Collection method: literature only. Allele origin: germline. Not counted in ClinVar's aggregate classification.

Literature cited by the submitters: PubMed 10196384 (cited by Labcorp Genetics (formerly Invitae), Labcorp and OMIM); PubMed 18628313 (cited by Labcorp Genetics (formerly Invitae), Labcorp); PubMed 29572252 (cited by Labcorp Genetics (formerly Invitae), Labcorp).

NM_000124.4(ERCC6):c.1971_1974dup (p.Thr659fs)

Gene: ERCC6 (ERCC excision repair 6, chromatin remodeling factor; minus strand). Cytogenetic location: 10q11.23.
Variant type: Duplication.
Coding change: c.1971_1974dup on transcript NM_000124.4 (MANE Select); coding-DNA positions 1971 to 1974, 4 bases duplicated (TGTC; older notation c.1971_1974dupTGTC).
Protein change: p.Thr659fs; shifts the reading frame from threonine 659.
Molecular consequence: frameshift variant.
Genome position (GRCh38, 1-based): chr10:49,483,364-49,483,367, GACA duplicated on the plus strand (TGTC on the coding strand, the reverse complement: ERCC6 is on the minus strand); duplicating any 4 consecutive bases within chr10:49,483,364-49,483,368 gives the same sequence; the c. name uses the placement nearest the transcript's 3' end. VCF-style (leftmost placement, unchanged base first): chr10-49483363-T-TGACA. GRCh37 (hg19) VCF-style: chr10-50691409-T-TGACA.
Other names: c.1971_1974dup, p.Thr659fs (NM_001346440.2); short protein forms T659fs.
Identifiers: ClinVar variation 1705 (VCV000001705.5), dbSNP rs2132552521, ClinGen allele CA2573131703.
Genomic context (GRCh38, chr10:49,483,363, plus strand): 5'-TTCTTCTCCACTTGGAAATCTCCCTTGTTAAAAGAGGTCATACCTGTTTGCAAGCAAGGG[T>TGACA]GACAGCAGCATTTGGATTTCGAATTTTGTGTCCTTCGTCCAAGATCACATAGTGCCAGTC-3'